The following is an entry in ClinVar:

NM_001378609.3(OTOGL):c.3555C>A (p.Tyr1185Ter)

Gene: OTOGL (otogelin like; plus strand). Cytogenetic location: 12q21.31.
Variant type: single nucleotide variant.
Coding change: c.3555C>A on transcript NM_001378609.3 (MANE Select); coding-DNA position 3555, C replaced by A.
Protein change: p.Tyr1185Ter; replaces tyrosine 1185 with a stop codon.
Molecular consequence: nonsense.
Genome position (GRCh38, 1-based): chr12:80,313,580, C>A. VCF-style: chr12-80313580-C-A. GRCh37 (hg19) VCF-style: chr12-80707360-C-A.
Other names: c.3420C>A, p.Tyr1140Ter (NM_001368062.3); c.3555C>A, p.Tyr1185Ter (NM_001378610.3, NM_173591.7); short protein forms Y1140*, Y1185*.
Identifiers: ClinVar variation 2874493 (VCV002874493.3), dbSNP rs374198258, ClinGen allele CA6701121.

ClinVar aggregate classification (germline): Pathogenic (1 of 4 stars; one submission).

gnomAD v4.1: 11 of 1,612,630 alleles (0.00068%); highest among the groups gnomAD compares: Non-Finnish European, 0.00093%; no homozygotes.

Submission:

Labcorp Genetics (formerly Invitae), Labcorp
Classification: Pathogenic. Last evaluated: 2023-02-04. Review status: criteria provided, single submitter. Criteria: Invitae Variant Classification Sherloc (09022015). Collection method: clinical testing. Allele origin: germline.
Comment: For these reasons, this variant has been classified as Pathogenic. This variant has not been reported in the literature in individuals affected with OTOGL-related conditions. This variant is present in population databases (rs374198258, gnomAD 0.003%). This sequence change creates a premature translational stop signal (p.Tyr1176*) in the OTOGL gene. It is expected to result in an absent or disrupted protein product. Loss-of-function variants in OTOGL are known to be pathogenic (PMID: 23122586).

Literature cited by the submitters: PubMed 23122586.